The following is an entry in ClinVar:

NM_003718.5(CDK13):c.1040del (p.Gly347fs)

Gene: CDK13 (cyclin dependent kinase 13; plus strand). Cytogenetic location: 7p14.1.
Variant type: Deletion.
Coding change: c.1040del on transcript NM_003718.5 (MANE Select); coding-DNA position 1040, one base deleted (G; older notation c.1040delG).
Protein change: p.Gly347fs; shifts the reading frame from glycine 347.
Molecular consequence: frameshift variant.
Genome position (GRCh38, 1-based): chr7:39,951,681, G deleted; the last of 2 consecutive G bases (chr7:39,951,680-39,951,681); deleting either gives the same sequence. VCF-style (leftmost placement, unchanged base first): chr7-39951679-TG-T. GRCh37 (hg19) VCF-style: chr7-39991278-TG-T.
Other names: c.1040delG, p.Gly347Alafs (NM_031267.4); short protein forms G347fs.
Identifiers: ClinVar variation 3573829 (VCV003573829.1).

ClinVar aggregate classification (germline): Uncertain significance (1 of 4 stars; one submission).

Submission:

GeneDx
Classification: Uncertain significance. Last evaluated: 2024-07-18. Review status: criteria provided, single submitter. Criteria: GeneDx Variant Classification Process June 2021. Collection method: clinical testing. Allele origin: germline. Affected: yes.
Comment: Not observed at significant frequency in large population cohorts (gnomAD); Frameshift variant predicted to result in protein truncation or nonsense mediated decay in a gene for which loss-of-function is not an established mechanism of disease; Has not been previously published as pathogenic or benign to our knowledge